The following is an entry in ClinVar:

NM_001009999.3(KDM1A):c.1837G>C (p.Ala613Pro)

Gene: KDM1A (lysine demethylase 1A; plus strand). Cytogenetic location: 1p36.12.
Variant type: single nucleotide variant.
Coding change: c.1837G>C on transcript NM_001009999.3 (MANE Select); coding-DNA position 1837, G replaced by C.
Protein change: p.Ala613Pro; replaces alanine 613 with proline.
Molecular consequence: missense variant.
Genome position (GRCh38, 1-based): chr1:23,077,330, G>C. VCF-style: chr1-23077330-G-C. GRCh37 (hg19) VCF-style: chr1-23403823-G-C.
Other names: c.1783G>C, p.Ala595Pro (NM_001363654.2); c.1843G>C, p.Ala615Pro (NM_001410762.1); c.1765G>C, p.Ala589Pro (NM_001410763.1, NM_015013.4); short protein forms A613P, A589P, A595P, A615P.
Identifiers: ClinVar variation 3863358 (VCV003863358.1).

ClinVar aggregate classification (germline): Uncertain significance (1 of 4 stars; one submission).

Conditions:
Inborn genetic diseases. Identifiers: MedGen C0950123, MeSH D030342.

Submission:

Ambry Genetics
Classification: Uncertain significance for Inborn genetic diseases. Last evaluated: 2025-03-02. Review status: criteria provided, single submitter. Criteria: Ambry Variant Classification Scheme 2023. Collection method: clinical testing. Allele origin: germline.
Comment: The p.A613P variant (also known as c.1837G>C), located in coding exon 16 of the KDM1A gene, results from a G to C substitution at nucleotide position 1837. The alanine at codon 613 is replaced by proline, an amino acid with highly similar properties. This amino acid position is conserved. In addition, this alteration is predicted to be deleterious by in silico analysis. Based on the available evidence, the clinical significance of this variant remains unclear.